The following is an entry in ClinVar:

ClinVar aggregate classification (germline): Likely benign (1 of 4 stars; one submission).

Allele frequency attached by ClinVar (database versions not stated): 1000 Genomes Project 0.00180; 1000 Genomes Project 30x 0.00203; ESP Exome Variant Server 0.00446; gnomAD 0.00449; TOPMed 0.00450; ExAC 0.00539; gnomAD exomes 0.00654.
gnomAD v4.1: 10,247 of 1,614,006 alleles (0.63%); highest among the groups gnomAD compares: Middle Eastern, 0.84%; 43 homozygotes.

Submissions (9):

CeGaT Center for Human Genetics Tuebingen
Classification: Likely benign. Last evaluated: 2023-02-01. Review status: criteria provided, single submitter. Criteria: CeGaT Center For Human Genetics Tuebingen Variant Classification Criteria Version 2. Collection method: clinical testing. Allele origin: germline. Affected: yes. Observed: 2 variant alleles.
Comment: KLHL11: BP4, BP7, BS2

Dr. Peter K. Rogan Lab, Western University
No classification provided (evidence only). Condition: Lung cancer. Review status: no classification provided. Collection method: in vitro. Allele origin: not applicable. Functional consequence: retained intron. Not counted in ClinVar's aggregate classification.

Dr. Peter K. Rogan Lab, Western University
No classification provided (evidence only). Condition: Melanoma. Review status: no classification provided. Collection method: in vitro. Allele origin: not applicable. Functional consequence: retained intron. Not counted in ClinVar's aggregate classification.

Dr. Peter K. Rogan Lab, Western University
No classification provided (evidence only). Condition: Acute myeloid leukemia. Review status: no classification provided. Collection method: in vitro. Allele origin: not applicable. Functional consequence: retained intron. Not counted in ClinVar's aggregate classification.

Dr. Peter K. Rogan Lab, Western University
No classification provided (evidence only). Condition: Colon adenocarcinoma. Review status: no classification provided. Collection method: in vitro. Allele origin: not applicable. Functional consequence: retained intron. Not counted in ClinVar's aggregate classification.

Dr. Peter K. Rogan Lab, Western University
No classification provided (evidence only). Condition: Colorectal cancer. Review status: no classification provided. Collection method: in vitro. Allele origin: not applicable. Functional consequence: retained intron. Not counted in ClinVar's aggregate classification.

Dr. Peter K. Rogan Lab, Western University
No classification provided (evidence only). Condition: Sarcoma. Review status: no classification provided. Collection method: in vitro. Allele origin: not applicable. Functional consequence: retained intron. Not counted in ClinVar's aggregate classification.

Dr. Peter K. Rogan Lab, Western University
No classification provided (evidence only). Condition: Sarcoma. Review status: no classification provided. Collection method: in vitro. Allele origin: not applicable. Functional consequence: retained intron. Not counted in ClinVar's aggregate classification.

Dr. Peter K. Rogan Lab, Western University
No classification provided (evidence only). Condition: Sarcoma. Review status: no classification provided. Collection method: in vitro. Allele origin: not applicable. Functional consequence: retained intron. Not counted in ClinVar's aggregate classification.

NM_018143.3(KLHL11):c.1947A>G (p.Gln649=)

Gene: KLHL11 (kelch like family member 11; minus strand). Cytogenetic location: 17q21.2.
Variant type: single nucleotide variant.
Coding change: c.1947A>G on transcript NM_018143.3 (MANE Select); coding-DNA position 1947, A replaced by G.
Protein change: p.Gln649=; no amino-acid change (glutamine 649 retained).
Molecular consequence: synonymous variant.
Genome position (GRCh38, 1-based): chr17:41,853,920, T>C on the plus strand (A>G on the coding strand, the complement: KLHL11 is on the minus strand). VCF-style: chr17-41853920-T-C. GRCh37 (hg19) VCF-style: chr17-40010172-T-C.
Other names: NC_000017.10:g.40010172T>C.
Identifiers: ClinVar variation 2647776 (VCV002647776.25), dbSNP rs146181967, ClinGen allele CA8567499.
Genomic context (GRCh38, chr17:41,853,920, plus strand): 5'-TGTGCCATGCAAGTACCGGTATGGGATCCTCACGTGACAAGCAGTGGCTCTACAACGAGG[T>C]TGTGGCATAGGAGGAAGAAGCATCCACCTCTTCCTCTCCGCACAATATCGGTAGGCTTCT-3'
Protein context (NP_060613.1, residues 639-659): KRWMLLPPMP[Gln649=]PRCRATACHV